The following is an entry in ClinVar:

ClinVar aggregate classification (germline): Likely benign (1 of 4 stars; one submission).

Conditions:
TTC21B-related disorder. Also called: TTC21B-related condition; TTC21B-related disorders.

gnomAD v4.1: 15 of 1,598,590 alleles (0.00094%); highest among the groups gnomAD compares: Non-Finnish European, 0.0013%; no homozygotes.

Submission:

PreventionGenetics, part of Exact Sciences
Classification: Likely benign for TTC21B-related condition. Last evaluated: 2025-01-21. Review status: criteria provided, single submitter. Criteria: ACMG Guidelines, 2015. Collection method: clinical testing. Allele origin: germline.
Comment: This variant is classified as likely benign based on ACMG/AMP sequence variant interpretation guidelines (Richards et al. 2015 PMID: 25741868, with internal and published modifications).

NM_024753.5(TTC21B):c.3831A>G (p.Leu1277=)

Gene: TTC21B (tetratricopeptide repeat domain 21B; minus strand). Cytogenetic location: 2q24.3.
Variant type: single nucleotide variant.
Coding change: c.3831A>G on transcript NM_024753.5 (MANE Select); coding-DNA position 3831, A replaced by G.
Protein change: p.Leu1277=; no amino-acid change (leucine 1277 retained).
Molecular consequence: synonymous variant.
Genome position (GRCh38, 1-based): chr2:165,876,207, T>C on the plus strand (A>G on the coding strand, the complement: TTC21B is on the minus strand). VCF-style: chr2-165876207-T-C. GRCh37 (hg19) VCF-style: chr2-166732717-T-C.
Identifiers: ClinVar variation 4999011 (VCV004999011.1).